The following is an entry in ClinVar:

ClinVar aggregate classification (germline): Likely benign (1 of 4 stars; one submission).

Conditions:
SEMA3A-related disorder. Also called: SEMA3A-related condition.

gnomAD v4.1: 14 of 1,609,142 alleles (0.00087%); highest among the groups gnomAD compares: East Asian, 0.0022%; no homozygotes.

Submission:

PreventionGenetics, part of Exact Sciences
Classification: Likely benign for SEMA3A-related condition. Last evaluated: 2026-05-16. Review status: criteria provided, single submitter. Criteria: ACMG Guidelines, 2015. Collection method: clinical testing. Allele origin: germline.
Comment: This variant is classified as likely benign based on ACMG/AMP sequence variant interpretation guidelines (Richards et al. 2015 PMID: 25741868, with internal and published modifications).

NM_006080.3(SEMA3A):c.678C>T (p.Phe226=)

Gene: SEMA3A (semaphorin 3A; minus strand). Cytogenetic location: 7q21.11.
Variant type: single nucleotide variant.
Coding change: c.678C>T on transcript NM_006080.3 (MANE Select); coding-DNA position 678, C replaced by T.
Protein change: p.Phe226=; no amino-acid change (phenylalanine 226 retained).
Molecular consequence: synonymous variant.
Genome position (GRCh38, 1-based): chr7:84,014,341, G>A on the plus strand (C>T on the coding strand, the complement: SEMA3A is on the minus strand). VCF-style: chr7-84014341-G-A. GRCh37 (hg19) VCF-style: chr7-83643657-G-A.
Identifiers: ClinVar variation 4978606 (VCV004978606.1).